The following is an entry in ClinVar:

ClinVar aggregate classification (germline): Pathogenic. Review status: no assertion criteria provided (0 of 4 stars). 2 submissions from 2 submitters: Pathogenic (2). Last evaluated 2021-02-01.

Conditions:
Autosomal dominant cone dystrophy with early tritanopia.
Chromosome 16q12 duplication syndrome. Also called: CONE DYSTROPHY WITH EARLY-ONSET TRITANOPIC COLOR VISION DEFECT. Identifiers: MedGen C5562082, MONDO:0859210, OMIM 619649.

Submissions (2):

Molecular Genetics Laboratory, Institute for Ophthalmic Research
Classification: Pathogenic for Autosomal dominant cone dystrophy with early tritanopia. Last evaluated: 2021-02-01. Review status: no assertion criteria provided. Collection method: research. Allele origin: germline. Affected: yes.

ClinVar Staff, National Center for Biotechnology Information (NCBI)
Classification: Pathogenic for Chromosome 16q12 duplication syndrome. Review status: no assertion criteria provided. Collection method: literature only. Allele origin: germline. Affected: yes. Observed: 11 variant alleles, 11 heterozygotes.
Comment: This 732,598 bp duplication affecting the IRXB cluster was found in a family of Chinese descent in which CD segregates as an autosomal dominant trait. The paper by Kohl et al. , 2021 (PubMed 33891002) reported 2 other families with overlapping duplications.

Literature cited by the submitters: DOI 10.1093/hmg/ddab117 (cited by Molecular Genetics Laboratory, Institute for Ophthalmic Research); PubMed 33891002 (cited by ClinVar Staff, National Center for Biotechnology Information (NCBI)).

NC_000016.10:g.54801236_55533834dup

Genes: IRX6 (iroquois homeobox 6; plus strand), LPCAT2 (lysophosphatidylcholine acyltransferase 2; plus strand), MMP2 (matrix metallopeptidase 2; plus strand), CRNDE (colorectal neoplasia differentially expressed; minus strand), IRX5 (iroquois homeobox 5; plus strand) and 14 more. Cytogenetic location: 16q12.2.
Variant type: Duplication.
Identifiers: ClinVar variation 997022 (VCV000997022.2).